The following is an entry in ClinVar:

ClinVar aggregate classification (germline): Uncertain significance (1 of 4 stars; one submission).

Conditions:
Inborn genetic diseases. Identifiers: MedGen C0950123, MeSH D030342.

Submission:

Ambry Genetics
Classification: Uncertain significance for Inborn genetic diseases. Last evaluated: 2025-10-07. Review status: criteria provided, single submitter. Criteria: Ambry Variant Classification Scheme 2023. Collection method: clinical testing. Allele origin: germline.
Comment: The p.F459C variant (also known as c.1376T>G), located in coding exon 5 of the MBD4 gene, results from a T to G substitution at nucleotide position 1376. The phenylalanine at codon 459 is replaced by cysteine, an amino acid with highly dissimilar properties. This amino acid position is conserved. In addition, this alteration is predicted to be deleterious by in silico analysis. Based on the available evidence, the clinical significance of this variant remains unclear.

NM_001276270.2(MBD4):c.1376T>G (p.Phe459Cys)

Gene: MBD4 (methyl-CpG binding domain 4, DNA glycosylase; minus strand). Cytogenetic location: 3q21.3.
Variant type: single nucleotide variant.
Coding change: c.1376T>G on transcript NM_001276270.2 (MANE Select); coding-DNA position 1376, T replaced by G.
Protein change: p.Phe459Cys; replaces phenylalanine 459 with cysteine.
Molecular consequence: missense variant.
Genome position (GRCh38, 1-based): chr3:129,433,867, A>C on the plus strand (T>G on the coding strand, the complement: MBD4 is on the minus strand). VCF-style: chr3-129433867-A-C. GRCh37 (hg19) VCF-style: chr3-129152710-A-C.
Other names: c.1394T>G, p.Phe465Cys (NM_001276271.2, NM_001276272.2, NM_003925.3); c.440T>G, p.Phe147Cys (NM_001276273.2); short protein forms F465C, F459C, F147C.
Identifiers: ClinVar variation 4624398 (VCV004624398.1).